The following is an entry in ClinVar:

NM_006904.7(PRKDC):c.3180C>A (p.Phe1060Leu)

Gene: PRKDC (protein kinase, DNA-activated, catalytic subunit; minus strand). Cytogenetic location: 8q11.21.
Variant type: single nucleotide variant.
Coding change: c.3180C>A on transcript NM_006904.7 (MANE Select); coding-DNA position 3180, C replaced by A.
Protein change: p.Phe1060Leu; replaces phenylalanine 1060 with leucine.
Molecular consequence: missense variant.
Genome position (GRCh38, 1-based): chr8:47,902,658, G>T on the plus strand (C>A on the coding strand, the complement: PRKDC is on the minus strand). VCF-style: chr8-47902658-G-T. GRCh37 (hg19) VCF-style: chr8-48815218-G-T.
Other names: c.3180C>A, p.Phe1060Leu (NM_001081640.2); short protein forms F1060L.
Identifiers: ClinVar variation 1728541 (VCV001728541.2), dbSNP rs2089709139, ClinGen allele CA371156810.

ClinVar aggregate classification (germline): Uncertain significance (1 of 4 stars; one submission).

Submission:

Ambry Genetics
Classification: Uncertain significance. Last evaluated: 2021-12-10. Review status: criteria provided, single submitter. Criteria: Ambry Variant Classification Scheme 2023. Collection method: clinical testing. Allele origin: germline.
Comment: The p.F1060L variant (also known as c.3180C>A), located in coding exon 27 of the PRKDC gene, results from a C to A substitution at nucleotide position 3180. The phenylalanine at codon 1060 is replaced by leucine, an amino acid with highly similar properties. This amino acid position is conserved. In addition, the in silico prediction for this alteration is inconclusive. Since supporting evidence is limited at this time, the clinical significance of this alteration remains unclear.